The following is an entry in ClinVar:

ClinVar aggregate classification (germline): Pathogenic (1 of 4 stars; one submission).

Conditions:
Glycogen storage disease IXb (GSD9B). Also called: PHOSPHORYLASE KINASE DEFICIENCY OF LIVER AND MUSCLE, AUTOSOMAL RECESSIVE; GLYCOGENOSIS OF LIVER AND MUSCLE, AUTOSOMAL RECESSIVE; GSD IXb. Identifiers: Orphanet 79240, MedGen C0543514, MONDO:0009868, OMIM 261750.

Submission:

Labcorp Genetics (formerly Invitae), Labcorp
Classification: Pathogenic for Glycogen storage disease IXb. Last evaluated: 2023-07-16. Review status: criteria provided, single submitter. Criteria: Invitae Variant Classification Sherloc (09022015). Collection method: clinical testing. Allele origin: germline.
Comment: For these reasons, this variant has been classified as Pathogenic. This variant has not been reported in the literature in individuals affected with PHKB-related conditions. This variant is not present in population databases (gnomAD no frequency). This sequence change creates a premature translational stop signal (p.Gln315*) in the PHKB gene. It is expected to result in an absent or disrupted protein product. Loss-of-function variants in PHKB are known to be pathogenic (PMID: 9215682, 9326319).

Literature cited by the submitters: PubMed 9215682; PubMed 9326319.

NM_000293.3(PHKB):c.943C>T (p.Gln315Ter)

Gene: PHKB (phosphorylase kinase regulatory subunit beta; plus strand). Cytogenetic location: 16q12.1.
Variant type: single nucleotide variant.
Coding change: c.943C>T on transcript NM_000293.3 (MANE Select); coding-DNA position 943, C replaced by T.
Protein change: p.Gln315Ter; replaces glutamine 315 with a stop codon.
Molecular consequence: nonsense.
Genome position (GRCh38, 1-based): chr16:47,588,977, C>T. VCF-style: chr16-47588977-C-T. GRCh37 (hg19) VCF-style: chr16-47622888-C-T.
Other names: c.922C>T, p.Gln308Ter (NM_001031835.3); c.943C>T, p.Gln315Ter (NM_001363837.1); short protein forms Q308*, Q315*.
Identifiers: ClinVar variation 3000199 (VCV003000199.3), dbSNP rs1230727136, ClinGen allele CA395795940.